The following is an entry in ClinVar:

NM_025114.4(CEP290):c.521A>T (p.Glu174Val)

Gene: CEP290 (centrosomal protein 290; minus strand). Cytogenetic location: 12q21.32.
Variant type: single nucleotide variant.
Coding change: c.521A>T on transcript NM_025114.4 (MANE Select); coding-DNA position 521, A replaced by T.
Protein change: p.Glu174Val; replaces glutamic acid 174 with valine.
Molecular consequence: missense variant.
Genome position (GRCh38, 1-based): chr12:88,130,416, T>A on the plus strand (A>T on the coding strand, the complement: CEP290 is on the minus strand). VCF-style: chr12-88130416-T-A. GRCh37 (hg19) VCF-style: chr12-88524193-T-A.
Other names: c.521A>T (NM_025114.3); short protein forms E174V.
Identifiers: ClinVar variation 1053032 (VCV001053032.7), dbSNP rs774484028, ClinGen allele CA6712746.

ClinVar aggregate classification (germline): Uncertain significance. Review status: criteria provided, multiple submitters, no conflicts (2 of 4 stars). 4 submissions from 4 submitters: Uncertain significance (3). 1 of the submissions does not count toward it. Last evaluated 2026-09-08.

Conditions:
CEP290-related disorder. Also called: CEP290-related disorders; CEP290-related condition. Identifiers: MedGen CN239314.
Meckel syndrome, type 4 (MKS4). Also called: MECKEL-GRUBER SYNDROME, TYPE 4. Identifiers: Orphanet 564, MedGen C1970161, MONDO:0012626, OMIM 611134.
Joubert syndrome 5 (JBTS5). Identifiers: Orphanet 2318, MedGen C1857780, MONDO:0012432, OMIM 610188.
Senior-Loken syndrome 6 (SLSN6). Identifiers: Orphanet 3156, MedGen C1857779, MONDO:0012433, OMIM 610189.
Leber congenital amaurosis 10 (LCA10). Identifiers: Orphanet 65, MedGen C1857821, MONDO:0012723, OMIM 611755.
Bardet-Biedl syndrome 14 (BBS14). Identifiers: Orphanet 110, MedGen C2673874, MONDO:0014442, OMIM 615991.
Nephronophthisis. Also called: Juvenile Nephronophthisis. Identifiers: Orphanet 655, MedGen C0687120, MONDO:0019005, HP:0000090.
Meckel-Gruber syndrome. Also called: Dysencephalia splachnocystica; DYSENCEPHALIA SPLANCHNOCYSTICA; GRUBER SYNDROME. Identifiers: Orphanet 564, MedGen C0265215, MONDO:0018921.
Joubert syndrome. Also called: JOUBERT-BOLTSHAUSER SYNDROME; Familial aplasia of the vermis. Identifiers: Orphanet 475, MedGen C5979921, MONDO:0018772.
Leber congenital amaurosis (LCA). Also called: Leber's amaurosis. Identifiers: Orphanet 65, MedGen C0339527, MeSH D057130, MONDO:0018998.

Allele frequency attached by ClinVar (database versions not stated): ExAC 0.00001; gnomAD exomes 0.00001; TOPMed 0.00001.
gnomAD v4.1: 5 of 1,604,468 alleles (0.00031%); highest among the groups gnomAD compares: Admixed American, 0.0069%; no homozygotes.

Submissions (4):

PreventionGenetics, part of Exact Sciences
Classification: Uncertain significance for CEP290-related condition. Last evaluated: 2026-09-08. Review status: criteria provided, single submitter. Criteria: ACMG Guidelines, 2015. Collection method: clinical testing. Allele origin: germline.
Comment: The CEP290 c.521A>T variant is predicted to result in the amino acid substitution p.Glu174Val. To our knowledge, this variant has not been reported in the literature. This variant is reported in 0.0063% of alleles in individuals of Latino descent in gnomAD. At this time, the clinical significance of this variant is uncertain due to the absence of conclusive functional and genetic evidence.

Labcorp Genetics (formerly Invitae), Labcorp
Classification: Uncertain significance for Joubert syndrome; Meckel-Gruber syndrome; Nephronophthisis. Last evaluated: 2022-03-28. Review status: criteria provided, single submitter. Criteria: Invitae Variant Classification Sherloc (09022015). Collection method: clinical testing. Allele origin: germline.
Comment: This sequence change replaces glutamic acid, which is acidic and polar, with valine, which is neutral and non-polar, at codon 174 of the CEP290 protein (p.Glu174Val). This variant is present in population databases (rs774484028, gnomAD 0.006%). This variant has not been reported in the literature in individuals affected with CEP290-related conditions. ClinVar contains an entry for this variant (Variation ID: 1053032). Algorithms developed to predict the effect of missense changes on protein structure and function are either unavailable or do not agree on the potential impact of this missense change (SIFT: "Deleterious"; PolyPhen-2: "Probably Damaging"; Align-GVGD: "Class C0"). In summary, the available evidence is currently insufficient to determine the role of this variant in disease. Therefore, it has been classified as a Variant of Uncertain Significance.

Fulgent Genetics
Classification: Uncertain significance for Joubert syndrome 5; Senior-Loken syndrome 6; Meckel syndrome, type 4; Leber congenital amaurosis 10; Bardet-Biedl syndrome 14. Last evaluated: 2021-10-11. Review status: criteria provided, single submitter. Criteria: ACMG Guidelines, 2015. Collection method: clinical testing. Allele origin: unknown.

Natera, Inc.
Classification: Uncertain significance for Leber congenital amaurosis. Last evaluated: 2020-12-08. Review status: no assertion criteria provided. Collection method: clinical testing. Allele origin: germline. Not counted in ClinVar's aggregate classification.